The following is an entry in ClinVar:

NM_005121.3(MED13):c.3854_3855insC (p.Gln1286fs)

Gene: MED13 (mediator complex subunit 13; minus strand). Cytogenetic location: 17q23.2.
Variant type: Insertion.
Coding change: c.3854_3855insC on transcript NM_005121.3 (MANE Select); coding-DNA positions 3854 to 3855, C inserted.
Protein change: p.Gln1286fs; shifts the reading frame from glutamine 1286.
Molecular consequence: frameshift variant.
Genome position: GRCh38 VCF-style: chr17-61972839-A-AG. GRCh37 (hg19) VCF-style: chr17-60050200-A-AG.
Other names: short protein forms Q1286fs.
Identifiers: ClinVar variation 4855621 (VCV004855621.1).

ClinVar aggregate classification (germline): Likely pathogenic (1 of 4 stars; one submission).

Conditions:
Intellectual developmental disorder 61. Also called: INTELLECTUAL DEVELOPMENTAL DISORDER, AUTOSOMAL DOMINANT 61; MENTAL RETARDATION, AUTOSOMAL DOMINANT 61. Identifiers: MedGen C5231400, MONDO:0032485, OMIM 618009.

Submission:

3billion
Classification: Likely pathogenic for Intellectual developmental disorder 61. Last evaluated: 2025-07-28. Review status: criteria provided, single submitter. Criteria: ACMG Guidelines, 2015. Collection method: clinical testing. Allele origin: germline. Affected: yes.
Comment: The variant is not observed in the gnomAD v4.1.0 dataset. Predicted Consequence/Location: Frameshift: predicted to result in a loss or disruption of normal protein function through nonsense-mediated decay (NMD) or protein truncation. Multiple pathogenic variants are reported downstream of the variant. Therefore, this variant is classified as Likely pathogenic according to the recommendation of ACMG/AMP guideline.